The following is an entry in ClinVar:

ClinVar aggregate classification (germline): Uncertain significance (1 of 4 stars; one submission).

Conditions:
Congenital contractural arachnodactyly (CCA). Also called: BEALS SYNDROME; Arthrogryposis, distal, type 9; Beals-Hecht syndrome. Identifiers: Orphanet 115, MedGen C0220668, MONDO:0007363, OMIM 121050.

Submission:

Labcorp Genetics (formerly Invitae), Labcorp
Classification: Uncertain significance for Congenital contractural arachnodactyly. Last evaluated: 2024-07-19. Review status: criteria provided, single submitter. Criteria: Invitae Variant Classification Sherloc (09022015). Collection method: clinical testing. Allele origin: germline.
Comment: This sequence change replaces glycine, which is neutral and non-polar, with valine, which is neutral and non-polar, at codon 1239 of the FBN2 protein (p.Gly1239Val). This variant is not present in population databases (gnomAD no frequency). This variant has not been reported in the literature in individuals affected with FBN2-related conditions. Advanced modeling of protein sequence and biophysical properties (such as structural, functional, and spatial information, amino acid conservation, physicochemical variation, residue mobility, and thermodynamic stability) performed at Invitae indicates that this missense variant is not expected to disrupt FBN2 protein function with a negative predictive value of 80%. In summary, the available evidence is currently insufficient to determine the role of this variant in disease. Therefore, it has been classified as a Variant of Uncertain Significance.

NM_001999.4(FBN2):c.3716G>T (p.Gly1239Val)

Gene: FBN2 (fibrillin 2; minus strand). Cytogenetic location: 5q23.3.
Variant type: single nucleotide variant.
Coding change: c.3716G>T on transcript NM_001999.4 (MANE Select); coding-DNA position 3716, G replaced by T.
Protein change: p.Gly1239Val; replaces glycine 1239 with valine.
Molecular consequence: missense variant.
Genome position (GRCh38, 1-based): chr5:128,335,996, C>A on the plus strand (G>T on the coding strand, the complement: FBN2 is on the minus strand). VCF-style: chr5-128335996-C-A. GRCh37 (hg19) VCF-style: chr5-127671688-C-A.
Other names: short protein forms G1239V.
Identifiers: ClinVar variation 3659335 (VCV003659335.2).